The following is an entry in ClinVar:

ClinVar aggregate classification (germline): Uncertain significance. Review status: criteria provided, multiple submitters, no conflicts (2 of 4 stars). 2 submissions from 2 submitters: Uncertain significance (2). Last evaluated 2025-05-29.

Conditions:
Inborn genetic diseases. Identifiers: MedGen C0950123, MeSH D030342.

Allele frequency attached by ClinVar (database versions not stated): gnomAD 0.00035; TOPMed 0.00037; 1000 Genomes Project 0.00040; 1000 Genomes Project 30x 0.00047; gnomAD exomes 0.00004; ExAC 0.00011; ESP Exome Variant Server 0.00031.
gnomAD v4.1: 125 of 1,614,068 alleles (0.0077%); highest among the groups gnomAD compares: African/African-American, 0.13%; 1 homozygote.

Submissions (2):

GeneDx
Classification: Uncertain significance. Last evaluated: 2025-05-29. Review status: criteria provided, single submitter. Criteria: GeneDx Variant Classification Process June 2021. Collection method: clinical testing. Allele origin: germline. Affected: yes.
Comment: In silico analysis suggests that this missense variant does not alter protein structure/function; Has not been previously published as pathogenic or benign to our knowledge

Ambry Genetics
Classification: Uncertain significance for Inborn genetic diseases. Last evaluated: 2022-06-24. Review status: criteria provided, single submitter. Criteria: Ambry Variant Classification Scheme 2023. Collection method: clinical testing. Allele origin: germline.

NM_017696.3(MCM9):c.892G>A (p.Asp298Asn)

Gene: MCM9 (minichromosome maintenance 9 homologous recombination repair factor; minus strand). Cytogenetic location: 6q22.31.
Variant type: single nucleotide variant.
Coding change: c.892G>A on transcript NM_017696.3 (MANE Select); coding-DNA position 892, G replaced by A.
Protein change: p.Asp298Asn; replaces aspartic acid 298 with asparagine.
Molecular consequence: missense variant. On other transcripts: 3 prime UTR variant (1), non-coding transcript variant (2).
Genome position (GRCh38, 1-based): chr6:118,917,573, C>T on the plus strand (G>A on the coding strand, the complement: MCM9 is on the minus strand). VCF-style: chr6-118917573-C-T. GRCh37 (hg19) VCF-style: chr6-119238738-C-T.
Other names: c.892G>A, p.Asp298Asn (NM_001378356.1, NM_001378357.1, NM_001378358.1 and 8 more transcripts); c.694G>A, p.Asp232Asn (NM_001378361.1, NM_001378362.1, NM_001378363.1 and 3 more transcripts); c.*159G>A (NM_001378371.1); short protein forms D298N, D232N.
Identifiers: ClinVar variation 2376654 (VCV002376654.3), dbSNP rs115751132, ClinGen allele CA3978579.